The following is an entry in ClinVar:

NM_001110556.2(FLNA):c.6908-16C>T

Gene: FLNA (filamin A; minus strand). Cytogenetic location: Xq28.
Variant type: single nucleotide variant.
Coding change: c.6908-16C>T on transcript NM_001110556.2 (MANE Select); 16 bases into the intron before coding-DNA position 6908, C replaced by T.
Molecular consequence: intron variant.
Genome position (GRCh38, 1-based): chrX:154,351,712, G>A on the plus strand (C>T on the coding strand, the complement: FLNA is on the minus strand). VCF-style: chrX-154351712-G-A. GRCh37 (hg19) VCF-style: chrX-153580080-G-A.
Other names: c.6884-16C>T (NM_001456.4).
Identifiers: ClinVar variation 377887 (VCV000377887.9), dbSNP rs782815909, ClinGen allele CA10559993.

ClinVar aggregate classification (germline): Likely benign. Review status: criteria provided, multiple submitters, no conflicts (2 of 4 stars). 2 submissions from 2 submitters: Likely benign (2). Last evaluated 2025-12-19.

Conditions:
Oto-palato-digital syndrome, type II (OPD2). Also called: FACIOPALATOOSSEOUS SYNDROME; OPD II SYNDROME; Otopalatodigital Syndrome Type 2 (FLNA-OPD2); Otopalatodigital Syndrome, Type II. Identifiers: Orphanet 669, Orphanet 90652, MedGen C1844696, MONDO:0010571, OMIM 304120.
Heterotopia, periventricular, X-linked dominant (PVNH1). Also called: PERIVENTRICULAR NODULAR HETEROTOPIA 1; X-linked periventricular heterotopia; PERIVENTRICULAR NODULAR HETEROTOPIA 4; HETEROTOPIA, PERIVENTRICULAR, 1. Identifiers: Orphanet 2149, Orphanet 82004, MedGen C1848213, MONDO:0010233, OMIM 300049.
Frontometaphyseal dysplasia (FMD1). Identifiers: Orphanet 1826, MedGen C0265293, MONDO:0015942.
Melnick-Needles syndrome (MNS). Also called: MELNICK-NEEDLES OSTEODYSPLASTY; OSTEODYSPLASTY OF MELNICK AND NEEDLES; Melnick-Needles Syndrome (FLNA-MNS). Identifiers: Orphanet 2484, MedGen C0025237, MONDO:0010650, OMIM 309350.

Allele frequency attached by ClinVar (database versions not stated): gnomAD exomes 0.00002 and 0.00005; TOPMed 0.00002; ExAC 0.00003; gnomAD 0.00003.
gnomAD v4.1: 50 of 1,146,925 alleles (0.0044%); highest among the groups gnomAD compares: Non-Finnish European, 0.0058%; no homozygotes.

Submissions (2):

Labcorp Genetics (formerly Invitae), Labcorp
Classification: Likely benign for Oto-palato-digital syndrome, type II; Heterotopia, periventricular, X-linked dominant; Frontometaphyseal dysplasia; Melnick-Needles syndrome. Last evaluated: 2025-12-19. Review status: criteria provided, single submitter. Criteria: Invitae Variant Classification Sherloc (09022015). Collection method: clinical testing. Allele origin: germline.

GeneDx
Classification: Likely benign. Last evaluated: 2016-05-04. Review status: criteria provided, single submitter. Criteria: GeneDx Variant Classification (06012015). Collection method: clinical testing. Allele origin: germline. Affected: yes.
Comment: This variant is considered likely benign or benign based on one or more of the following criteria: it is a conservative change, it occurs at a poorly conserved position in the protein, it is predicted to be benign by multiple in silico algorithms, and/or has population frequency not consistent with disease.